The following is an entry in ClinVar:

ClinVar aggregate classification (germline): Uncertain significance. Review status: criteria provided, single submitter (1 of 4 stars). 3 submissions from 3 submitters: Uncertain significance (1). 2 of the submissions do not count toward it. Last evaluated 2022-07-06.

Allele frequency attached by ClinVar (database versions not stated): ExAC 0.00001; gnomAD exomes 0.00001 and 0.00004; gnomAD 0.00002; TOPMed 0.00002.

Submissions (3):

Labcorp Genetics (formerly Invitae), Labcorp
Classification: Uncertain significance. Last evaluated: 2022-07-06. Review status: criteria provided, single submitter. Criteria: Invitae Variant Classification Sherloc (09022015). Collection method: clinical testing. Allele origin: germline.
Comment: This sequence change replaces arginine, which is basic and polar, with histidine, which is basic and polar, at codon 324 of the CCDC88C protein (p.Arg324His). This variant is present in population databases (rs535703162, gnomAD 0.01%). This variant has not been reported in the literature in individuals affected with CCDC88C-related conditions. ClinVar contains an entry for this variant (Variation ID: 1174853). Algorithms developed to predict the effect of missense changes on protein structure and function are either unavailable or do not agree on the potential impact of this missense change (SIFT: "Deleterious"; PolyPhen-2: "Probably Damaging"; Align-GVGD: "Class C0"). In summary, the available evidence is currently insufficient to determine the role of this variant in disease. Therefore, it has been classified as a Variant of Uncertain Significance.

Clinical Genetics DNA and cytogenetics Diagnostics Lab, Erasmus MC, Erasmus Medical Center
Classification: Uncertain significance. Review status: no assertion criteria provided. Collection method: clinical testing. Allele origin: germline. Affected: yes. Study: VKGL Data-share Consensus. Not counted in ClinVar's aggregate classification.

Diagnostic Laboratory, Department of Genetics, University Medical Center Groningen
Classification: Uncertain significance. Review status: no assertion criteria provided. Collection method: clinical testing. Allele origin: germline. Affected: yes. Study: VKGL Data-share Consensus. Not counted in ClinVar's aggregate classification.

NM_001080414.4(CCDC88C):c.971G>A (p.Arg324His)

Gene: CCDC88C (coiled-coil domain containing 88C; minus strand). Cytogenetic location: 14q32.11.
Variant type: single nucleotide variant.
Coding change: c.971G>A on transcript NM_001080414.4 (MANE Select); coding-DNA position 971, G replaced by A.
Protein change: p.Arg324His; replaces arginine 324 with histidine.
Molecular consequence: missense variant.
Genome position (GRCh38, 1-based): chr14:91,338,084, C>T on the plus strand (G>A on the coding strand, the complement: CCDC88C is on the minus strand). VCF-style: chr14-91338084-C-T. GRCh37 (hg19) VCF-style: chr14-91804428-C-T.
Other names: short protein forms R324H.
Identifiers: ClinVar variation 1174853 (VCV001174853.6), dbSNP rs535703162, ClinGen allele CA7310037.
Genomic context (GRCh38, chr14:91,338,084, plus strand): 5'-AAGTCCACGTCGTGCAGCTTCTCCTTGCAGCGGGTCAGCTCCAGCTCCAGCCTCTCCACG[C>T]GGTTCGCCTTCTCCCGCAGGGAATCCAGCTCGTCTCGATAGGCACGAGCAGACCGGGCGT-3'
Protein context (NP_001073883.2, residues 314-334): ELDSLREKAN[Arg324His]VERLELELTR